The following is an entry in ClinVar:

NM_201384.3(PLEC):c.3619C>T (p.Arg1207Cys)

Gene: PLEC (plectin; minus strand). Cytogenetic location: 8q24.3.
Variant type: single nucleotide variant.
Coding change: c.3619C>T on transcript NM_201384.3 (MANE Select); coding-DNA position 3619, C replaced by T.
Protein change: p.Arg1207Cys; replaces arginine 1207 with cysteine.
Molecular consequence: missense variant.
Genome position (GRCh38, 1-based): chr8:143,927,547, G>A on the plus strand (C>T on the coding strand, the complement: PLEC is on the minus strand). VCF-style: chr8-143927547-G-A. GRCh37 (hg19) VCF-style: chr8-145001715-G-A.
Other names: c.3700C>T, p.Arg1234Cys (NM_000445.5); c.3577C>T, p.Arg1193Cys (NM_201378.4); c.3553C>T, p.Arg1185Cys (NM_201379.3); c.4030C>T, p.Arg1344Cys (NM_201380.4); c.3523C>T, p.Arg1175Cys (NM_201381.3); c.3619C>T, p.Arg1207Cys (NM_201382.4); c.3631C>T, p.Arg1211Cys (NM_201383.3); short protein forms R1175C, R1185C, R1193C, R1234C, R1211C, R1207C, R1344C.
Identifiers: ClinVar variation 805212 (VCV000805212.9), dbSNP rs782816670, ClinGen allele CA4927002.
Genomic context (GRCh38, chr8:143,927,547, plus strand): 5'-TGGCGTCCTGCAGCCAGGCGCCCAAGGGGTCTGCACTCTCGCGGTAGTAACGCAGCTGGC[G>A]GCCCAGTTGCTCGAGCTCGCGCTGCCGCACGTCGGTCTGGGCCAGCACAGCCTGCCAGCG-3'
Protein context (NP_958786.1, residues 1197-1217): VRQRELEQLG[Arg1207Cys]QLRYYRESAD

ClinVar aggregate classification (germline): Uncertain significance. Review status: criteria provided, multiple submitters, no conflicts (2 of 4 stars). 4 submissions from 4 submitters: Uncertain significance (4). Last evaluated 2025-04-15.

Conditions:
Epidermolysis bullosa simplex with nail dystrophy (EBS5D). Identifiers: MedGen C4225309, MONDO:0014661, OMIM 616487.
Epidermolysis bullosa simplex, Ogna type (EBS5A). Also called: Pidermolysis bullosa simplex 5A, Ogna type; EPIDERMOLYSIS BULLOSA SIMPLEX 5A, OGNA TYPE. Identifiers: Orphanet 79401, MedGen C0432317, MONDO:0007555, OMIM 131950.
Epidermolysis bullosa simplex 5C, with pyloric atresia (EBS5C). Also called: PLEC-Related Epidermolysis Bullosa with Pyloric Atresia; PLEC1-Related Epidermolysis Bullosa with Pyloric Atresia; Epidermolysis bullosa simplex with pyloric atresia. Identifiers: Orphanet 158684, MedGen C2677349, MONDO:0012807, OMIM 612138.
Autosomal recessive limb-girdle muscular dystrophy type 2Q (LGMDR17). Also called: MUSCULAR DYSTROPHY, LIMB-GIRDLE, AUTOSOMAL RECESSIVE 17. Identifiers: Orphanet 254361, MedGen C3150989, MONDO:0013390, OMIM 613723.
Epidermolysis bullosa simplex 5B, with muscular dystrophy (EBS5B). Also called: EPIDERMOLYSIS BULLOSA SIMPLEX AND LIMB-GIRDLE MUSCULAR DYSTROPHY; Epidermolysis bullosa simplex with muscular dystrophy. Identifiers: Orphanet 257, MedGen C2931072, MONDO:0009181, OMIM 226670.
Inborn genetic diseases. Identifiers: MedGen C0950123, MeSH D030342.

Allele frequency attached by ClinVar (database versions not stated): TOPMed 0.00002; gnomAD 0.00003.
gnomAD v4.1: 27 of 1,595,964 alleles (0.0017%); highest among the groups gnomAD compares: East Asian, 0.013%; no homozygotes.

Submissions (4):

Ambry Genetics
Classification: Uncertain significance for Inborn genetic diseases. Last evaluated: 2025-04-15. Review status: criteria provided, single submitter. Criteria: Ambry Variant Classification Scheme 2023. Collection method: clinical testing. Allele origin: germline.

Labcorp Genetics (formerly Invitae), Labcorp
Classification: Uncertain significance for Autosomal recessive limb-girdle muscular dystrophy type 2Q; Epidermolysis bullosa simplex, Ogna type; Epidermolysis bullosa simplex with nail dystrophy; Epidermolysis bullosa simplex 5C, with pyloric atresia; Epidermolysis bullosa simplex 5B, with muscular dystrophy. Last evaluated: 2025-01-12. Review status: criteria provided, single submitter. Criteria: Invitae Variant Classification Sherloc (09022015). Collection method: clinical testing. Allele origin: germline.
Comment: This sequence change replaces arginine, which is basic and polar, with cysteine, which is neutral and slightly polar, at codon 1234 of the PLEC protein (p.Arg1234Cys). This variant is present in population databases (rs782816670, gnomAD 0.05%). This variant has not been reported in the literature in individuals affected with PLEC-related conditions. ClinVar contains an entry for this variant (Variation ID: 805212). Invitae Evidence Modeling of protein sequence and biophysical properties (such as structural, functional, and spatial information, amino acid conservation, physicochemical variation, residue mobility, and thermodynamic stability) indicates that this missense variant is not expected to disrupt PLEC protein function with a negative predictive value of 80%. In summary, the available evidence is currently insufficient to determine the role of this variant in disease. Therefore, it has been classified as a Variant of Uncertain Significance.

Revvity Omics, Revvity
Classification: Uncertain significance. Last evaluated: 2020-08-14. Review status: criteria provided, single submitter. Criteria: ACMG Guidelines, 2015. Collection method: clinical testing. Allele origin: germline.

Athena Diagnostics
Classification: Uncertain significance. Last evaluated: 2018-10-16. Review status: criteria provided, single submitter. Criteria: Athena Diagnostics Criteria. Collection method: clinical testing. Allele origin: germline.